The following is an entry in ClinVar:

ClinVar aggregate classification (germline): Conflicting classifications of pathogenicity. Review status: criteria provided, conflicting classifications (1 of 4 stars). 2 submissions from 2 submitters: Likely pathogenic (1); Uncertain significance (1). Last evaluated 2025-07-14.

Conditions:
NADK2-related disorders.
Progressive encephalopathy with leukodystrophy due to DECR deficiency. Identifiers: Orphanet 431361, MedGen C1857252, MONDO:0014464, OMIM 616034.

Allele frequency attached by ClinVar (database versions not stated): gnomAD exomes below 0.00001; gnomAD 0.00001.

Submissions (2):

Labcorp Genetics (formerly Invitae), Labcorp
Classification: Uncertain significance for Progressive encephalopathy with leukodystrophy due to DECR deficiency. Last evaluated: 2025-07-14. Review status: criteria provided, single submitter. Criteria: Invitae Variant Classification Sherloc (09022015). Collection method: clinical testing. Allele origin: germline.
Comment: This sequence change creates a premature translational stop signal (p.Arg114*) in the NADK2 gene. It is expected to result in an absent or disrupted protein product. However, the current clinical and genetic evidence is not sufficient to establish whether loss-of-function variants in NADK2 cause disease. The frequency data for this variant in the population databases is considered unreliable, as metrics indicate poor data quality at this position in the gnomAD database. This variant has not been reported in the literature in individuals affected with NADK2-related conditions. ClinVar contains an entry for this variant (Variation ID: 2874413). Algorithms developed to predict the effect of sequence changes on RNA splicing suggest that this variant may disrupt the consensus splice site. In summary, the available evidence is currently insufficient to determine the role of this variant in disease. Therefore, it has been classified as a Variant of Uncertain Significance.

Blueprint Genetics
Classification: Likely pathogenic for NADK2-related disorders. Last evaluated: 2019-06-20. Review status: criteria provided, single submitter. Criteria: ACMG Guidelines, 2015. Collection method: clinical testing. Allele origin: germline. Affected: yes. Observed: 1 variant allele.

NM_001085411.3(NADK2):c.340C>T (p.Arg114Ter)

Gene: NADK2 (NAD kinase 2, mitochondrial; minus strand). Cytogenetic location: 5p13.2.
Variant type: single nucleotide variant.
Coding change: c.340C>T on transcript NM_001085411.3 (MANE Select); coding-DNA position 340, C replaced by T.
Protein change: p.Arg114Ter; replaces arginine 114 with a stop codon.
Molecular consequence: nonsense. On other transcripts: 5 prime UTR variant (3).
Genome position (GRCh38, 1-based): chr5:36,227,526, G>A on the plus strand (C>T on the coding strand, the complement: NADK2 is on the minus strand). VCF-style: chr5-36227526-G-A. GRCh37 (hg19) VCF-style: chr5-36227628-G-A.
Other names: c.-150C>T (NM_001287340.2, NM_001287341.2, NM_153013.5); short protein forms R114*.
Identifiers: ClinVar variation 2874413 (VCV002874413.4), dbSNP rs1413239393, ClinGen allele CA359444759.
Genomic context (GRCh38, chr5:36,227,526, plus strand): 5'-CATAGACTTACCGTAAACTATCTATAATATGTTCTACATTTTTGGTGTGAATATGATGTC[G>A]TTCAAGAAGTCCACTGTAACTAGAGCCTTTCAATGCAAGCTATATCAAAACAAAAGAAAC-3'